The following is an entry in ClinVar:

NM_004369.4(COL6A3):c.6930+5G>A

Gene: COL6A3 (collagen type VI alpha 3 chain; minus strand). Cytogenetic location: 2q37.3.
Variant type: single nucleotide variant.
Coding change: c.6930+5G>A on transcript NM_004369.4 (MANE Select); 5 bases into the intron after coding-DNA position 6930, G replaced by A.
Molecular consequence: intron variant.
Genome position (GRCh38, 1-based): chr2:237,348,608, C>T on the plus strand (G>A on the coding strand, the complement: COL6A3 is on the minus strand). VCF-style: chr2-237348608-C-T. GRCh37 (hg19) VCF-style: chr2-238257251-C-T.
Other names: IVS29, A-G, +5; c.5109+5G>A (NM_057166.5); c.6312+5G>A (NM_057167.4).
Identifiers: ClinVar variation 17150 (VCV000017150.8), dbSNP rs749037028, ClinGen allele CA2188021.

ClinVar aggregate classification (germline): Pathogenic. Review status: criteria provided, multiple submitters, no conflicts (2 of 4 stars). 3 submissions from 3 submitters: Pathogenic (2). 1 of the submissions does not count toward it. Last evaluated 2025-12-03.

Conditions:
Ullrich congenital muscular dystrophy 1C (UCMD1C). Identifiers: MedGen C5935583, MONDO:0958236, OMIM 620728.
Ullrich congenital muscular dystrophy 1A. Also called: Intermediate COL6-RD; Ullrich congenital muscular dystrophy 1. Identifiers: Orphanet 75840, MedGen C0410179, MONDO:0009681, OMIM 254090.
Bethlem myopathy 1A. Also called: Bethlem Muscular Dystrophy; Bethlem myopathy 1; MYOPATHY, BENIGN CONGENITAL, WITH CONTRACTURES. Identifiers: Orphanet 610, MedGen CN029274, MONDO:0024530, OMIM 158810.

Allele frequency attached by ClinVar (database versions not stated): gnomAD exomes below 0.00001; ExAC 0.00001; TOPMed 0.00001.
gnomAD v4.1: 5 of 1,613,810 alleles (0.00031%); highest among the groups gnomAD compares: Admixed American, 0.0017%; no homozygotes.

Submissions (3):

Labcorp Genetics (formerly Invitae), Labcorp
Classification: Pathogenic for Bethlem myopathy 1A. Last evaluated: 2025-12-03. Review status: criteria provided, single submitter. Criteria: Invitae Variant Classification Sherloc (09022015). Collection method: clinical testing. Allele origin: germline.
Comment: This sequence change falls in intron 29 of the COL6A3 gene. It does not directly change the encoded amino acid sequence of the COL6A3 protein. It is expected to disrupt RNA splicing. Variants that disrupt the donor or acceptor splice site typically lead to a loss of protein function (PMID: 16199547), and loss-of-function variants in COL6A3 are known to be disease-causing for autosomal recessive COL6A3-related conditions (PMID: 21280092, 20976770). However, certain variants affecting donor or acceptor splice sites in the triple helical domain of COL6A3 are expected to result in in-frame exon skipping and have been reported to cause autosomal dominant COL6A3-related conditions (PMID: 18366090). This variant is present in population databases (rs749037028, gnomAD 0.003%). This variant has been observed in individual(s) with autosomal recessive Ullrich congenital muscular dystrophy and/or clinical features of COL6A3-related conditions (PMID: 11992252, 35723357). It has also been observed to segregate with disease in related individuals. ClinVar contains an entry for this variant (Variation ID: 17150). Variants that disrupt the consensus splice site are a relatively common cause of aberrant splicing (PMID: 17576681, 9536098). Studies have shown that this variant results in skipping of exon 29, but is expected to preserve the integrity of the reading-frame (PMID: 11992252). For these reasons, this variant has been classified as Pathogenic.

Women's Health and Genetics/Laboratory Corporation of America, LabCorp
Classification: Pathogenic for Ullrich congenital muscular dystrophy 1A. Last evaluated: 2023-06-01. Review status: criteria provided, single submitter. Criteria: LabCorp Variant Classification Summary - May 2015. Collection method: clinical testing. Allele origin: germline.
Comment: Variant summary: COL6A3 c.6930+5G>A alters a conserved nucleotide located close to a canonical splice site and therefore could affect mRNA splicing, leading to a significantly altered protein sequence. Several computational tools predict a significant impact on normal splicing: Two predict the variant abolishes a canonical 5' splicing donor site and two predict the variant weakens the 5' donor site. At least one publication reports experimental evidence that this variant indeed affects mRNA splicing, leading to the skipping of exon 29 and resulting in an in-frame deletion of 17 amino acids in the triple-helical domain of the encoded protein sequence (Demir_2002). The variant allele was found at a frequency of 4e-06 in 251164 control chromosomes (gnomAD). c.6930+5G>A has been reported in the literature in the homozygous state in three siblings affected with Ullrich Congenital Muscular Dystrophy 1 and the variant segregated with the disease phenotype within this family (Demir_2002). These data indicate that the variant is very likely to be associated with disease. The following publication has been ascertained in the context of this evaluation (PMID: 11992252). No clinical diagnostic laboratories have submitted clinical-significance assessments for this variant to ClinVar after 2014. Based on the evidence outlined above, the variant was classified as pathogenic.

OMIM
Classification: Pathogenic for ULLRICH CONGENITAL MUSCULAR DYSTROPHY 1C, AUTOSOMAL RECESSIVE. Last evaluated: 2002-06-01. Review status: no assertion criteria provided. Collection method: literature only. Allele origin: germline. Not counted in ClinVar's aggregate classification.

Literature cited by the submitters: PubMed 16199547 (cited by Labcorp Genetics (formerly Invitae), Labcorp); PubMed 21280092 (cited by Labcorp Genetics (formerly Invitae), Labcorp); PubMed 20976770 (cited by Labcorp Genetics (formerly Invitae), Labcorp); PubMed 18366090 (cited by Labcorp Genetics (formerly Invitae), Labcorp); PubMed 11992252 (cited by 3 submitters); PubMed 35723357 (cited by Labcorp Genetics (formerly Invitae), Labcorp); PubMed 17576681 (cited by Labcorp Genetics (formerly Invitae), Labcorp); PubMed 9536098 (cited by Labcorp Genetics (formerly Invitae), Labcorp).